The following is an entry in ClinVar:

NM_015631.6(TCTN3):c.36C>G (p.Phe12Leu)

Genes: TCTN3 (tectonic family member 3; minus strand), LOC130004408 (ATAC-STARR-seq lymphoblastoid active region 3801; plus strand). Cytogenetic location: 10q24.1.
Variant type: single nucleotide variant.
Coding change: c.36C>G on transcript NM_015631.6 (MANE Select); coding-DNA position 36, C replaced by G.
Protein change: p.Phe12Leu; replaces phenylalanine 12 with leucine.
Molecular consequence: missense variant.
Genome position (GRCh38, 1-based): chr10:95,693,864, G>C on the plus strand (C>G on the coding strand, the complement: TCTN3 is on the minus strand). VCF-style: chr10-95693864-G-C. GRCh37 (hg19) VCF-style: chr10-97453621-G-C.
Other names: c.36C>G, p.Phe12Leu (NM_001143973.2); short protein forms F12L.
Identifiers: ClinVar variation 1313690 (VCV001313690.2), dbSNP rs1006971730, ClinGen allele CA211808541.
Genomic context (GRCh38, chr10:95,693,864, plus strand): 5'-CACTGCCCCTGATGGGGAGGAAGAGGGCTGAGGCCGGACGCCATCGGGGAACACCAGAAA[G>C]AACACTTGCAGGAGCGCGAGCTGTGGGGTGCGCATGGGGCATTCAGGGCCTCCGGGTCCG-3'
Protein context (NP_056446.4, residues 2-22): RTPQLALLQV[Phe12Leu]FLVFPDGVRP

ClinVar aggregate classification (germline): Uncertain significance (1 of 4 stars; one submission).

Allele frequency attached by ClinVar (database versions not stated): TOPMed below 0.00001; gnomAD 0.00001; gnomAD exomes 0.00002.
gnomAD v4.1: 12 of 1,551,594 alleles (0.00077%); highest among the groups gnomAD compares: Admixed American, 0.0039%; no homozygotes.

Submission:

GeneDx
Classification: Uncertain significance. Last evaluated: 2021-07-08. Review status: criteria provided, single submitter. Criteria: GeneDx Variant Classification Process June 2021. Collection method: clinical testing. Allele origin: germline. Affected: yes.
Comment: Not observed at a significant frequency in large population cohorts (Lek et al., 2016); In silico analysis supports that this missense variant does not alter protein structure/function; Has not been previously published as pathogenic or benign to our knowledge